The following is an entry in ClinVar:

NM_021076.4(NEFH):c.2122G>A (p.Ala708Thr)

Gene: NEFH (neurofilament heavy chain; plus strand). Cytogenetic location: 22q12.2.
Variant type: single nucleotide variant.
Coding change: c.2122G>A on transcript NM_021076.4 (MANE Select); coding-DNA position 2122, G replaced by A.
Protein change: p.Ala708Thr; replaces alanine 708 with threonine.
Molecular consequence: missense variant.
Genome position (GRCh38, 1-based): chr22:29,489,762, G>A. VCF-style: chr22-29489762-G-A. GRCh37 (hg19) VCF-style: chr22-29885751-G-A.
Other names: short protein forms A708T.
Identifiers: ClinVar variation 3669175 (VCV003669175.2).

ClinVar aggregate classification (germline): Uncertain significance (1 of 4 stars; one submission).

Submission:

Labcorp Genetics (formerly Invitae), Labcorp
Classification: Uncertain significance. Last evaluated: 2024-08-23. Review status: criteria provided, single submitter. Criteria: Invitae Variant Classification Sherloc (09022015). Collection method: clinical testing. Allele origin: germline.
Comment: This sequence change replaces alanine, which is neutral and non-polar, with threonine, which is neutral and polar, at codon 708 of the NEFH protein (p.Ala708Thr). This variant is not present in population databases (gnomAD no frequency). This variant has not been reported in the literature in individuals affected with NEFH-related conditions. Invitae Evidence Modeling of protein sequence and biophysical properties (such as structural, functional, and spatial information, amino acid conservation, physicochemical variation, residue mobility, and thermodynamic stability) indicates that this missense variant is not expected to disrupt NEFH protein function with a negative predictive value of 95%. In summary, the available evidence is currently insufficient to determine the role of this variant in disease. Therefore, it has been classified as a Variant of Uncertain Significance.